The following is an entry in ClinVar:

NM_001267550.2(TTN):c.7951G>A (p.Glu2651Lys)

Gene: TTN (titin; minus strand). Cytogenetic location: 2q31.2.
Variant type: single nucleotide variant.
Coding change: c.7951G>A on transcript NM_001267550.2 (MANE Select); coding-DNA position 7951, G replaced by A.
Protein change: p.Glu2651Lys; replaces glutamic acid 2651 with lysine.
Molecular consequence: missense variant.
Genome position (GRCh38, 1-based): chr2:178,771,376, C>T on the plus strand (G>A on the coding strand, the complement: TTN is on the minus strand). VCF-style: chr2-178771376-C-T. GRCh37 (hg19) VCF-style: chr2-179636103-C-T.
Other names: c.7813G>A, p.Glu2605Lys (NM_003319.4, NM_133432.3, NM_133437.4); c.7951G>A, p.Glu2651Lys (NM_133378.4, NM_133379.5, NM_001256850.1); short protein forms E2605K, E2651K.
Identifiers: ClinVar variation 3907498 (VCV003907498.3).

ClinVar aggregate classification (germline): Uncertain significance. Review status: criteria provided, multiple submitters, no conflicts (2 of 4 stars). 3 submissions from 3 submitters: Uncertain significance (3). Last evaluated 2026-04-07.

Conditions:
TTN-related disorder. Also called: TTN-related condition; TTN-related disease; TTN-related disorders.

gnomAD v4.1: 30 of 1,613,930 alleles (0.0019%); highest among the groups gnomAD compares: Middle Eastern, 0.016%; no homozygotes.

Submissions (3):

PreventionGenetics, part of Exact Sciences
Classification: Uncertain significance for TTN-related condition. Last evaluated: 2026-04-07. Review status: criteria provided, single submitter. Criteria: ACMG Guidelines, 2015. Collection method: clinical testing. Allele origin: germline.
Comment: The TTN c.7951G>A variant is predicted to result in the amino acid substitution p.Glu2651Lys. To our knowledge, this variant has not been reported in the literature. This variant is reported in 0.012% of alleles in individuals of African descent in gnomAD. At this time, the clinical significance of this variant is uncertain due to the absence of conclusive functional and genetic evidence.

Women's Health and Genetics/Laboratory Corporation of America, LabCorp
Classification: Uncertain significance. Last evaluated: 2025-06-26. Review status: criteria provided, single submitter. Criteria: LabCorp Variant Classification Summary - May 2015. Collection method: clinical testing. Allele origin: germline.

Revvity Omics, Revvity
Classification: Uncertain significance. Last evaluated: 2025-06-13. Review status: criteria provided, single submitter. Criteria: ACMG Guidelines, 2015. Collection method: clinical testing. Allele origin: germline.